The following is an entry in ClinVar:

NM_020822.3(KCNT1):c.1511-4G>A

Gene: KCNT1 (potassium sodium-activated channel subfamily T member 1; plus strand). Cytogenetic location: 9q34.3.
Variant type: single nucleotide variant.
Coding change: c.1511-4G>A on transcript NM_020822.3 (MANE Select); 4 bases into the intron before coding-DNA position 1511, G replaced by A.
Molecular consequence: intron variant.
Genome position (GRCh38, 1-based): chr9:135,769,943, G>A. VCF-style: chr9-135769943-G-A. GRCh37 (hg19) VCF-style: chr9-138661789-G-A.
Other names: c.1376-4G>A (NM_001272003.2).
Identifiers: ClinVar variation 417217 (VCV000417217.16), dbSNP rs368480443, ClinGen allele CA5326956.

ClinVar aggregate classification (germline): Conflicting classifications of pathogenicity. Review status: criteria provided, conflicting classifications (1 of 4 stars). 3 submissions from 3 submitters: Uncertain significance (1); Likely benign (2). Last evaluated 2025-04-11.

Conditions:
Inborn genetic diseases. Identifiers: MedGen C0950123, MeSH D030342.
Developmental and epileptic encephalopathy, 14 (DEE14). Also called: Early infantile epileptic encephalopathy 14. Identifiers: Orphanet 293181, MedGen C3554195, MONDO:0013989, OMIM 614959.
Autosomal dominant nocturnal frontal lobe epilepsy 5. Also called: CILIARY DYSKINESIA, PRIMARY, 28, WITH SITUS INVERSUS; Epilepsy, nocturnal frontal lobe, 5; CILIARY DYSKINESIA, PRIMARY, 28, WITHOUT SITUS INVERSUS; KCNT1-Related Epilepsy. Identifiers: Orphanet 98784, MedGen C3554306, MONDO:0014002, OMIM 615005.

Allele frequency attached by ClinVar (database versions not stated): gnomAD exomes 0.00005; ExAC 0.00011; gnomAD 0.00021 and 0.00024; TOPMed 0.00021; ESP Exome Variant Server 0.00032.
gnomAD v4.1: 66 of 1,548,486 alleles (0.0043%); highest among the groups gnomAD compares: African/African-American, 0.052%; no homozygotes.

Submissions (3):

Labcorp Genetics (formerly Invitae), Labcorp
Classification: Likely benign for Autosomal dominant nocturnal frontal lobe epilepsy 5; Developmental and epileptic encephalopathy, 14. Last evaluated: 2025-04-11. Review status: criteria provided, single submitter. Criteria: Invitae Variant Classification Sherloc (09022015). Collection method: clinical testing. Allele origin: germline.

GeneDx
Classification: Likely benign. Last evaluated: 2018-06-05. Review status: criteria provided, single submitter. Criteria: GeneDx Variant Classification (06012015). Collection method: clinical testing. Allele origin: germline. Affected: yes.
Comment: This variant is considered likely benign or benign based on one or more of the following criteria: it is a conservative change, it occurs at a poorly conserved position in the protein, it is predicted to be benign by multiple in silico algorithms, and/or has population frequency not consistent with disease.

Ambry Genetics
Classification: Uncertain significance for Inborn genetic diseases. Last evaluated: 2016-08-11. Review status: criteria provided, single submitter. Criteria: Ambry Variant Classification Scheme 2023. Collection method: clinical testing. Allele origin: germline.
Comment: The c.1511-4G>A intronic variant results from a G to A substitution 4 nucleotides upstream from coding exon 16 in the KCNT1 gene. This variant was previously reported in the SNPDatabase as rs368480443. Based on data from the NHLBI Exome Sequencing Project (ESP), the A allele has an overall frequency of approximately 0.03% (4/12452) total alleles studied, having been observed in 0.07% (3/4204) African American alleles and 0.01% (1/8248) European American alleles. This nucleotide position is poorly conserved in available vertebrate species. Using the BDGP and ESEfinder splice site prediction tools, this alteration is not predicted to have any significant effect on this splice acceptor site; however, direct evidence is unavailable. Since supporting evidence is limited at this time, the clinical significance of this variant remains unclear.